The following is an entry in ClinVar:

NM_000298.6(PKLR):c.1676G>C (p.Arg559Pro)

Gene: PKLR (pyruvate kinase L/R; minus strand). Cytogenetic location: 1q22.
Variant type: single nucleotide variant.
Coding change: c.1676G>C on transcript NM_000298.6 (MANE Select); coding-DNA position 1676, G replaced by C.
Protein change: p.Arg559Pro; replaces arginine 559 with proline.
Molecular consequence: missense variant.
Genome position (GRCh38, 1-based): chr1:155,290,621, C>G on the plus strand (G>C on the coding strand, the complement: PKLR is on the minus strand). VCF-style: chr1-155290621-C-G. GRCh37 (hg19) VCF-style: chr1-155260412-C-G.
Other names: p.Arg559Pro; c.1583G>C, p.Arg528Pro (NM_181871.4); c.1676G>C (NM_000298.5); short protein forms R528P, R559P.
Identifiers: ClinVar variation 2683181 (VCV002683181.2), dbSNP rs1456158956, ClinGen allele CA342748335.

ClinVar aggregate classification (germline): Likely pathogenic. Review status: criteria provided, multiple submitters, no conflicts (2 of 4 stars). 2 submissions from 2 submitters: Likely pathogenic (2). Last evaluated 2026-05-28.

Conditions:
PKLR-related disorder. Also called: PKLR-related condition.

Submissions (2):

PreventionGenetics, part of Exact Sciences
Classification: Likely pathogenic for PKLR-related condition. Last evaluated: 2026-05-28. Review status: criteria provided, single submitter. Criteria: ACMG Guidelines, 2015. Collection method: clinical testing. Allele origin: germline.
Comment: The PKLR c.1676G>C variant is predicted to result in the amino acid substitution p.Arg559Pro. This variant was reported in an individual with pyruvate kinase deficiency (Nieto et al. 2022. PubMed ID: 35351432). This variant has not been reported in a large population database (gnomAD), indicating this variant is rare. An alternate missense change at this amino acid (p.Arg559Gly) has also been reported in association with pyruvate kinase deficiency (Baronciani et al. 1995. PubMed ID: 7655861). The p.Arg559Pro variant is interpreted as likely pathogenic.

Mayo Clinic Laboratories, Mayo Clinic
Classification: Likely pathogenic. Last evaluated: 2023-05-26. Review status: criteria provided, single submitter. Criteria: ACMG Guidelines, 2015. Collection method: clinical testing. Allele origin: germline. Observed: 1 variant allele.
Comment: PP3, PM2, PM5, PS4_supporting

Literature cited by the submitters: PubMed 26832193 (cited by Mayo Clinic Laboratories, Mayo Clinic); PubMed 35351432 (cited by Mayo Clinic Laboratories, Mayo Clinic).